The following is an entry in ClinVar:

ClinVar aggregate classification (germline): Uncertain significance (1 of 4 stars; one submission).

Submission:

Dasa
Classification: Uncertain significance. Last evaluated: 2026-01-16. Review status: criteria provided, single submitter. Criteria: DASA Assertion Criteria. Collection method: clinical testing. Allele origin: germline.
Comment: NM_017780.4(CHD7):c.1665+3A>G is a splice-region variant. This variant affects a splice-region context with prior evidence supporting clinical relevance. This variant is rare in population databases. Computational prediction algorithms are consistent with a deleterious effect. The currently available literature and clinical evidence are not sufficient to establish a definitive association between this variant and the reported condition. Therefore, this variant is classified as a variant of uncertain significance.

NM_017780.4(CHD7):c.1665+3A>G

Gene: CHD7 (chromodomain helicase DNA binding protein 7; plus strand). Cytogenetic location: 8q12.2.
Variant type: single nucleotide variant.
Coding change: c.1665+3A>G on transcript NM_017780.4 (MANE Select); 3 bases into the intron after coding-DNA position 1665, A replaced by G.
Molecular consequence: intron variant.
Genome position (GRCh38, 1-based): chr8:60,743,100, A>G. VCF-style: chr8-60743100-A-G. GRCh37 (hg19) VCF-style: chr8-61655659-A-G.
Other names: c.1665+3A>G (NM_001316690.1).
Identifiers: ClinVar variation 4885073 (VCV004885073.2).